The following is an entry in ClinVar:

NM_004656.4(BAP1):c.23_28del (p.Leu8_Ser10delinsArg)

Gene: BAP1 (BRCA1 associated deubiquitinase 1; minus strand). Cytogenetic location: 3p21.1.
Variant type: Deletion.
Coding change: c.23_28del on transcript NM_004656.4 (MANE Select); coding-DNA positions 23 to 28, 6 bases deleted (TGGAGA; older notation c.23_28delTGGAGA).
Protein change: p.Leu8_Ser10delinsArg.
Molecular consequence: inframe indel.
Genome position (GRCh38, 1-based): chr3:52,409,851-52,409,856, TCTCCA deleted on the plus strand (TGGAGA on the coding strand, the reverse complement: BAP1 is on the minus strand). VCF-style (leftmost placement, unchanged base first): chr3-52409850-CTCTCCA-C. GRCh37 (hg19) VCF-style: chr3-52443866-CTCTCCA-C.
Other names: c.23_28del, p.Leu8_Ser10delinsArg (NM_001410772.1).
Identifiers: ClinVar variation 4717971 (VCV004717971.1).

ClinVar aggregate classification (germline): Uncertain significance (1 of 4 stars; one submission).

Conditions:
BAP1-related tumor predisposition syndrome (TPDS1). Also called: Tumor susceptibility linked to germline BAP1 mutations; COMMON Syndrome; TUMOR PREDISPOSITION SYNDROME 1; BAP1 tumor predisposition syndrome. Identifiers: Orphanet 289539, MedGen C3280492, MONDO:0013692, OMIM 614327.

Submission:

Labcorp Genetics (formerly Invitae), Labcorp
Classification: Uncertain significance for BAP1-related tumor predisposition syndrome. Last evaluated: 2025-04-20. Review status: criteria provided, single submitter. Criteria: Invitae Variant Classification Sherloc (09022015). Collection method: clinical testing. Allele origin: germline.
Comment: This variant, c.23_28del, is a complex sequence change that results in the deletion of 3 and insertion of 1 amino acid(s) in the BAP1 protein (p.Leu8_Ser10delinsArg). This variant is not present in population databases (gnomAD no frequency). This variant has not been reported in the literature in individuals affected with BAP1-related conditions. Experimental studies and prediction algorithms are not available or were not evaluated, and the functional significance of this variant is currently unknown. In summary, the available evidence is currently insufficient to determine the role of this variant in disease. Therefore, it has been classified as a Variant of Uncertain Significance.